The following is an entry in ClinVar:

ClinVar aggregate classification (germline): Conflicting classifications of pathogenicity. Review status: criteria provided, conflicting classifications (1 of 4 stars). 4 submissions from 4 submitters: Uncertain significance (3); Likely benign (1). Last evaluated 2025-11-03.

Conditions:
Hemoglobin, high altitude adaptation (HALAH). Identifiers: MedGen C1836778, OMIM 609070.
Erythrocytosis, familial, 3 (ECYT3). Identifiers: Orphanet 247511, MedGen C1853286, MONDO:0012353, OMIM 609820.

Allele frequency attached by ClinVar (database versions not stated): gnomAD exomes 0.00002.
gnomAD v4.1: 23 of 1,438,564 alleles (0.0016%); highest among the groups gnomAD compares: East Asian, 0.061%; no homozygotes.

Submissions (4):

Labcorp Genetics (formerly Invitae), Labcorp
Classification: Uncertain significance for Erythrocytosis, familial, 3. Last evaluated: 2025-11-03. Review status: criteria provided, single submitter. Criteria: Invitae Variant Classification Sherloc (09022015). Collection method: clinical testing. Allele origin: germline.
Comment: This sequence change replaces valine, which is neutral and non-polar, with alanine, which is neutral and non-polar, at codon 138 of the EGLN1 protein (p.Val138Ala). This variant is not present in population databases (gnomAD no frequency). This missense change has been observed in individual(s) with isolated erythrocytosis (PMID: 24482100). ClinVar contains an entry for this variant (Variation ID: 840052). An algorithm developed to predict the effect of missense changes on protein structure and function outputs the following: PolyPhen-2: "Benign". The alanine amino acid residue is found in multiple mammalian species, which suggests that this missense change does not adversely affect protein function. In summary, the available evidence is currently insufficient to determine the role of this variant in disease. Therefore, it has been classified as a Variant of Uncertain Significance.

Ambry Genetics
Classification: Likely benign. Last evaluated: 2025-05-07. Review status: criteria provided, single submitter. Criteria: Ambry Variant Classification Scheme 2023. Collection method: clinical testing. Allele origin: germline.

Fulgent Genetics
Classification: Uncertain significance for Hemoglobin, high altitude adaptation; Erythrocytosis, familial, 3. Last evaluated: 2024-06-18. Review status: criteria provided, single submitter. Criteria: ACMG Guidelines, 2015. Collection method: clinical testing. Allele origin: germline.

Illumina Laboratory Services, Illumina
Classification: Uncertain significance for Erythrocytosis, familial, 3. Last evaluated: 2017-05-04. Review status: criteria provided, single submitter. Criteria: ICSL Variant Classification Criteria 13 December 2019. Collection method: clinical testing. Allele origin: germline.
Comment: This variant was observed as part of a predisposition screen in an ostensibly healthy population. A literature search was performed for the gene, cDNA change, and amino acid change (where applicable). Publications were found based on this search. However, the evidence from the literature, in combination with allele frequency data from public databases where available, was not sufficient to rule this variant in or out of causing disease. Therefore, this variant is classified as a variant of unknown significance.

Literature cited by the submitters: PubMed 24482100 (cited by Labcorp Genetics (formerly Invitae), Labcorp and Illumina Laboratory Services, Illumina).

NM_022051.3(EGLN1):c.413T>C (p.Val138Ala)

Gene: EGLN1 (egl-9 family hypoxia inducible factor 1; minus strand). Cytogenetic location: 1q42.2.
Variant type: single nucleotide variant.
Coding change: c.413T>C on transcript NM_022051.3 (MANE Select); coding-DNA position 413, T replaced by C.
Protein change: p.Val138Ala; replaces valine 138 with alanine.
Molecular consequence: missense variant.
Genome position (GRCh38, 1-based): chr1:231,421,476, A>G on the plus strand (T>C on the coding strand, the complement: EGLN1 is on the minus strand). VCF-style: chr1-231421476-A-G. GRCh37 (hg19) VCF-style: chr1-231557222-A-G.
Other names: c.413T>C, p.Val138Ala (NM_001377260.1, NM_001377261.1); short protein forms V138A.
Identifiers: ClinVar variation 840052 (VCV000840052.12), dbSNP rs1408448213, ClinGen allele CA345237166.